The following is an entry in ClinVar:

NM_032448.3(FAM120B):c.1327T>C (p.Ser443Pro)

Gene: FAM120B (family with sequence similarity 120 member B; plus strand). Cytogenetic location: 6q27.
Variant type: single nucleotide variant.
Coding change: c.1327T>C on transcript NM_032448.3 (MANE Select); coding-DNA position 1327, T replaced by C.
Protein change: p.Ser443Pro; replaces serine 443 with proline.
Molecular consequence: missense variant. On other transcripts: intron variant (1).
Genome position (GRCh38, 1-based): chr6:170,318,717, T>C. VCF-style: chr6-170318717-T-C. GRCh37 (hg19) VCF-style: chr6-170627805-T-C.
Other names: c.1363T>C, p.Ser455Pro (NM_001286379.2); c.1396T>C, p.Ser466Pro (NM_001286380.2); c.-89-11732T>C (NM_001286381.2); short protein forms S443P, S455P, S466P.
Identifiers: ClinVar variation 3024839 (VCV003024839.22), dbSNP rs879126817, ClinGen allele CA366513653.
Genomic context (GRCh38, chr6:170,318,717, plus strand): 5'-CAAGAAGTTCCCATGTATACAGACTCTGAACCCAGGCAAGAAGTTCCCATGTATACAGAC[T>C]CTGAACCCAGGCAAGAAGTTCCCATGTATACAGGCTCTGAACCCAGGCAAGAAGTTCCCA-3'
Protein context (NP_115824.1, residues 433-453): PRQEVPMYTD[Ser443Pro]EPRQEVPMYT

ClinVar aggregate classification (germline): Likely benign (1 of 4 stars; one submission).

Allele frequency attached by ClinVar (database versions not stated): gnomAD exomes below 0.00001.

Submission:

CeGaT Center for Human Genetics Tuebingen
Classification: Likely benign. Last evaluated: 2025-04-01. Review status: criteria provided, single submitter. Criteria: CeGaT Center For Human Genetics Tuebingen Variant Classification Criteria Version 2. Collection method: clinical testing. Allele origin: germline. Affected: yes. Observed: 2 variant alleles.
Comment: FAM120B: BP4, BS2